The following is an entry in ClinVar:

NM_201384.3(PLEC):c.1815+18del

Gene: PLEC (plectin; minus strand). Cytogenetic location: 8q24.3.
Variant type: Deletion.
Coding change: c.1815+18del on transcript NM_201384.3 (MANE Select); 18 bases into the intron after coding-DNA position 1815, one base deleted (C; older notation c.1815+18delC).
Molecular consequence: intron variant.
Genome position (GRCh38, 1-based): chr8:143,932,617, G deleted on the plus strand (C on the coding strand, the reverse complement: PLEC is on the minus strand); the first of 2 consecutive G bases (chr8:143,932,617-143,932,618); deleting either gives the same sequence. VCF-style (leftmost placement, unchanged base first): chr8-143932616-TG-T. GRCh37 (hg19) VCF-style: chr8-145006784-TG-T.
Other names: c.1896+18del (NM_000445.5); c.1773+18del (NM_201378.4); c.1749+18del (NM_201379.3); c.2226+18del (NM_201380.4); c.1719+18del (NM_201381.3); c.1815+18del (NM_201382.4); c.1827+18del (NM_201383.3); c.1896+18delC (NM_000445.5).
Identifiers: ClinVar variation 1591894 (VCV001591894.13), dbSNP rs782725172, ClinGen allele CA4927845.
Genomic context (GRCh38, chr8:143,932,616, plus strand): 5'-GGAGTTCTGTGGGCAGGAGGGTGCGTGTCAGCAGGCCGCGGGCTACCCACCTCCCCCGGC[TG>T]GCCCTGCCCCCACTCACCAGCAGCTTGGCGTACTGCAGGTCCAGCCGACCCAGGCAGTCA-3'

ClinVar aggregate classification (germline): Likely benign. Review status: criteria provided, multiple submitters, no conflicts (2 of 4 stars). 3 submissions from 3 submitters: Likely benign (3). Last evaluated 2026-01-14.

Conditions:
Epidermolysis bullosa simplex, Ogna type (EBS5A). Also called: Pidermolysis bullosa simplex 5A, Ogna type; EPIDERMOLYSIS BULLOSA SIMPLEX 5A, OGNA TYPE. Identifiers: Orphanet 79401, MedGen C0432317, MONDO:0007555, OMIM 131950.
Epidermolysis bullosa simplex with nail dystrophy (EBS5D). Identifiers: MedGen C4225309, MONDO:0014661, OMIM 616487.
Epidermolysis bullosa simplex 5C, with pyloric atresia (EBS5C). Also called: PLEC1-Related Epidermolysis Bullosa with Pyloric Atresia; PLEC-Related Epidermolysis Bullosa with Pyloric Atresia; Epidermolysis bullosa simplex with pyloric atresia. Identifiers: Orphanet 158684, MedGen C2677349, MONDO:0012807, OMIM 612138.
Epidermolysis bullosa simplex 5B, with muscular dystrophy (EBS5B). Also called: EPIDERMOLYSIS BULLOSA SIMPLEX AND LIMB-GIRDLE MUSCULAR DYSTROPHY; Epidermolysis bullosa simplex with muscular dystrophy. Identifiers: Orphanet 257, MedGen C2931072, MONDO:0009181, OMIM 226670.
Autosomal recessive limb-girdle muscular dystrophy type 2Q (LGMDR17). Also called: MUSCULAR DYSTROPHY, LIMB-GIRDLE, AUTOSOMAL RECESSIVE 17. Identifiers: Orphanet 254361, MedGen C3150989, MONDO:0013390, OMIM 613723.

Submissions (3):

Labcorp Genetics (formerly Invitae), Labcorp
Classification: Likely benign for Autosomal recessive limb-girdle muscular dystrophy type 2Q; Epidermolysis bullosa simplex, Ogna type; Epidermolysis bullosa simplex with nail dystrophy; Epidermolysis bullosa simplex 5C, with pyloric atresia; Epidermolysis bullosa simplex 5B, with muscular dystrophy. Last evaluated: 2026-01-14. Review status: criteria provided, single submitter. Criteria: Invitae Variant Classification Sherloc (09022015). Collection method: clinical testing. Allele origin: germline.

Blueprint Genetics
Classification: Likely benign. Last evaluated: 2024-11-25. Review status: criteria provided, single submitter. Criteria: ACMG Guidelines, 2015. Collection method: clinical testing. Allele origin: germline.

Women's Health and Genetics/Laboratory Corporation of America, LabCorp
Classification: Likely benign. Last evaluated: 2024-06-19. Review status: criteria provided, single submitter. Criteria: LabCorp Variant Classification Summary - May 2015. Collection method: clinical testing. Allele origin: germline.
Comment: Variant summary: PLEC c.1896+18delC alters a non-conserved nucleotide located at a position not widely known to affect splicing. Consensus agreement among computation tools predict no significant impact on normal splicing. However, these predictions have yet to be confirmed by functional studies. This variant is also known as c.1815+18delC in NM_201384.3. The variant allele was found at a frequency of 0.00039 in 238358 control chromosomes. This frequency is not significantly higher than estimated for a pathogenic variant in PLEC causing PLEC-Related Disorders, allowing no conclusion about variant significance. To our knowledge, no occurrence of c.1896+18delC in individuals affected with PLEC-Related Disorders and no experimental evidence demonstrating its impact on protein function have been reported. ClinVar contains an entry for this variant (Variation ID: 1591894). Based on the evidence outlined above, the variant was classified as likely benign.